The following is an entry in ClinVar:

NM_006466.4(POLR3F):c.308G>A (p.Gly103Glu)

Gene: POLR3F (RNA polymerase III subunit F; plus strand). Cytogenetic location: 20p11.23.
Variant type: single nucleotide variant.
Coding change: c.308G>A on transcript NM_006466.4 (MANE Select); coding-DNA position 308, G replaced by A.
Protein change: p.Gly103Glu; replaces glycine 103 with glutamic acid.
Molecular consequence: missense variant. On other transcripts: non-coding transcript variant (1).
Genome position (GRCh38, 1-based): chr20:18,473,450, G>A. VCF-style: chr20-18473450-G-A. GRCh37 (hg19) VCF-style: chr20-18454094-G-A.
Other names: c.185G>A, p.Gly62Glu (NM_001282526.2); c.308G>A, p.Gly103Glu (NM_001410821.1); short protein forms G103E, G62E.
Identifiers: ClinVar variation 2111013 (VCV002111013.4), dbSNP rs774771805, ClinGen allele CA9777496.

ClinVar aggregate classification (germline): Uncertain significance (1 of 4 stars; one submission).

Allele frequency attached by ClinVar (database versions not stated): gnomAD 0.00001; gnomAD exomes 0.00001; TOPMed 0.00001; ExAC 0.00002.
gnomAD v4.1: 14 of 1,461,814 alleles (0.00096%); highest among the groups gnomAD compares: East Asian, 0.0068%; no homozygotes.

Submission:

Labcorp Genetics (formerly Invitae), Labcorp
Classification: Uncertain significance. Last evaluated: 2022-11-17. Review status: criteria provided, single submitter. Criteria: Invitae Variant Classification Sherloc (09022015). Collection method: clinical testing. Allele origin: germline.
Comment: In summary, the available evidence is currently insufficient to determine the role of this variant in disease. Therefore, it has been classified as a Variant of Uncertain Significance. Algorithms developed to predict the effect of missense changes on protein structure and function are either unavailable or do not agree on the potential impact of this missense change (SIFT: "Tolerated"; PolyPhen-2: "Not Available"; Align-GVGD: "Class C0"). This variant has not been reported in the literature in individuals affected with POLR3F-related conditions. This variant is present in population databases (rs774771805, gnomAD 0.02%). This sequence change replaces glycine, which is neutral and non-polar, with glutamic acid, which is acidic and polar, at codon 62 of the POLR3F protein (p.Gly62Glu).